The following is an entry in ClinVar:

NM_024426.6(WT1):c.1346G>A (p.Arg449Lys)

Gene: WT1 (WT1 transcription factor; minus strand). Cytogenetic location: 11p13.
Variant type: single nucleotide variant.
Coding change: c.1346G>A on transcript NM_024426.6 (MANE Select); coding-DNA position 1346, G replaced by A.
Protein change: p.Arg449Lys; replaces arginine 449 with lysine.
Molecular consequence: missense variant. On other transcripts: non-coding transcript variant (2), intron variant (1).
Genome position (GRCh38, 1-based): chr11:32,392,674, C>T on the plus strand (G>A on the coding strand, the complement: WT1 is on the minus strand). VCF-style: chr11-32392674-C-T. GRCh37 (hg19) VCF-style: chr11-32414220-C-T.
Other names: c.644G>A, p.Arg215Lys (NM_001198552.2); c.158G>A, p.Arg53Lys (NM_001367854.1); c.1340G>A, p.Arg447Lys (NM_001407044.1); c.1295G>A, p.Arg432Lys (NM_001407045.1, NM_001407049.1, NM_000378.6); c.1346G>A, p.Arg449Lys (NM_001407046.1, NM_024424.5); c.1223G>A, p.Arg408Lys (NM_001407047.1); c.1172G>A, p.Arg391Lys (NM_001407050.1); c.584G>A, p.Arg195Lys (NM_001407051.1); and 4 more; short protein forms R232K, R195K, R359K, R376K, R391K, R449K, R215K, R432K.
Identifiers: ClinVar variation 4202248 (VCV004202248.1).
Genomic context (GRCh38, chr11:32,392,674, plus strand): 5'-ACCCTAGCCCAAGGGAACACAGCTGCCAGCAATGAGAAGTGAACCTACAAACCTGTATGT[C>T]TCCTTTGGTGTCTTTTGAGCTGGTCTGAACGAGAAAACCTTCGTTCACAGTCCTTGAAGT-3'
Protein context (NP_077744.4, residues 439-459): RSDQLKRHQR[Arg449Lys]HTGVKPFQCK

ClinVar aggregate classification (germline): Uncertain significance (1 of 4 stars; one submission).

Conditions:
Inborn genetic diseases. Identifiers: MedGen C0950123, MeSH D030342.

Submission:

Ambry Genetics
Classification: Uncertain significance for Inborn genetic diseases. Last evaluated: 2025-08-24. Review status: criteria provided, single submitter. Criteria: Ambry Variant Classification Scheme 2023. Collection method: clinical testing. Allele origin: germline.
Comment: The p.R444K variant (also known as c.1331G>A), located in coding exon 8 of the WT1 gene, results from a G to A substitution at nucleotide position 1331. The arginine at codon 444 is replaced by lysine, an amino acid with highly similar properties. This amino acid position is conserved. In addition, the in silico prediction for this alteration is inconclusive. Based on the available evidence, the clinical significance of this variant remains unclear.